The following is an entry in ClinVar:

ClinVar aggregate classification (germline): Uncertain significance. Review status: criteria provided, multiple submitters, no conflicts (2 of 4 stars). 2 submissions from 2 submitters: Uncertain significance (2). Last evaluated 2019-09-06.

Allele frequency attached by ClinVar (database versions not stated): gnomAD exomes below 0.00001; TOPMed below 0.00001; ExAC 0.00001.
gnomAD v4.1: 2 of 1,613,352 alleles (0.00012%); highest among the groups gnomAD compares: Admixed American, 0.0017%; no homozygotes.

Submissions (2):

Labcorp Genetics (formerly Invitae), Labcorp
Classification: Uncertain significance. Last evaluated: 2019-09-06. Review status: criteria provided, single submitter. Criteria: Invitae Variant Classification Sherloc (09022015). Collection method: clinical testing. Allele origin: germline.
Comment: In summary, the available evidence is currently insufficient to determine the role of this variant in disease. Therefore, it has been classified as a Variant of Uncertain Significance. Algorithms developed to predict the effect of missense changes on protein structure and function (SIFT, PolyPhen-2, Align-GVGD) all suggest that this variant is likely to be tolerated, but these predictions have not been confirmed by published functional studies and their clinical significance is uncertain. This variant has not been reported in the literature in individuals with STAG1-related conditions. ClinVar contains an entry for this variant (Variation ID: 451030). The frequency data for this variant in the population databases is considered unreliable, as metrics indicate poor data quality at this position in the ExAC database. This sequence change replaces valine with leucine at codon 787 of the STAG1 protein (p.Val787Leu). The valine residue is moderately conserved and there is a small physicochemical difference between valine and leucine.

GeneDx
Classification: Uncertain significance. Last evaluated: 2018-07-20. Review status: criteria provided, single submitter. Criteria: GeneDx Variant Classification (06012015). Collection method: clinical testing. Allele origin: germline. Affected: yes.
Comment: The V787L variant in the STAG1 gene has not been reported previously as a pathogenic variant, nor as a benign variant, to our knowledge. The V787L variant is not observed in large population cohorts (Lek et al., 2016; 1000 Genomes Consortium et al., 2015; Exome Variant Server). The V787L variant is a conservative amino acid substitution, which is not likely to impact secondary protein structure as these residues share similar properties. This substitution occurs at a position that is conserved across species, however, in silico analysis is inconsistent in its predictions as to whether or not the variant is damaging to the protein structure/function. We interpret V787L as a variant of uncertain significance.

NM_005862.3(STAG1):c.2359G>T (p.Val787Leu)

Gene: STAG1 (STAG1 cohesin complex component; minus strand). Cytogenetic location: 3q22.3.
Variant type: single nucleotide variant.
Coding change: c.2359G>T on transcript NM_005862.3 (MANE Select); coding-DNA position 2359, G replaced by T.
Protein change: p.Val787Leu; replaces valine 787 with leucine.
Molecular consequence: missense variant.
Genome position (GRCh38, 1-based): chr3:136,377,671, C>A on the plus strand (G>T on the coding strand, the complement: STAG1 is on the minus strand). VCF-style: chr3-136377671-C-A. GRCh37 (hg19) VCF-style: chr3-136096513-C-A.
Other names: short protein forms V787L.
Identifiers: ClinVar variation 451030 (VCV000451030.11), dbSNP rs760764098, ClinGen allele CA2632601.